The following is an entry in ClinVar:

ClinVar aggregate classification (germline): Likely benign (1 of 4 stars; one submission).

Allele frequency attached by ClinVar (database versions not stated): gnomAD exomes 0.00001 and 0.00002; ExAC 0.00002; gnomAD 0.00002 and 0.00003; TOPMed 0.00003.
gnomAD v4.1: 15 of 1,608,692 alleles (0.00093%); highest among the groups gnomAD compares: Admixed American, 0.0084%; no homozygotes.

Submission:

GeneDx
Classification: Likely benign. Last evaluated: 2016-07-01. Review status: criteria provided, single submitter. Criteria: GeneDx Variant Classification (06012015). Collection method: clinical testing. Allele origin: germline. Affected: yes.
Comment: This variant is considered likely benign or benign based on one or more of the following criteria: it is a conservative change, it occurs at a poorly conserved position in the protein, it is predicted to be benign by multiple in silico algorithms, and/or has population frequency not consistent with disease.

NM_001347721.2(DYRK1A):c.-37C>T

Gene: DYRK1A (dual specificity tyrosine phosphorylation regulated kinase 1A; plus strand). Cytogenetic location: 21q22.13.
Variant type: single nucleotide variant.
Coding change: c.-37C>T on transcript NM_001347721.2 (MANE Select); 37 bases upstream of the start codon, C replaced by T.
Molecular consequence: 5 prime UTR variant. On other transcripts: intron variant (1).
Genome position (GRCh38, 1-based): chr21:37,420,338, C>T. VCF-style: chr21-37420338-C-T. GRCh37 (hg19) VCF-style: chr21-38792640-C-T.
Other names: c.-37C>T (NM_001347722.2, NM_001396.5, NM_101395.2 and 2 more transcripts); c.-77-52346C>T (NM_001347723.2).
Identifiers: ClinVar variation 387313 (VCV000387313.1), dbSNP rs755807124, ClinGen allele CA10023644.